The following is an entry in ClinVar:

NM_000206.3(IL2RG):c.755A>T (p.Lys252Ile)

Gene: IL2RG (interleukin 2 receptor subunit gamma; minus strand). Cytogenetic location: Xq13.1.
Variant type: single nucleotide variant.
Coding change: c.755A>T on transcript NM_000206.3 (MANE Select); coding-DNA position 755, A replaced by T.
Protein change: p.Lys252Ile; replaces lysine 252 with isoleucine.
Molecular consequence: missense variant.
Genome position (GRCh38, 1-based): chrX:71,109,230, T>A on the plus strand (A>T on the coding strand, the complement: IL2RG is on the minus strand). VCF-style: chrX-71109230-T-A. GRCh37 (hg19) VCF-style: chrX-70329080-T-A.
Other names: short protein forms K252I.
Identifiers: ClinVar variation 3720948 (VCV003720948.2).

ClinVar aggregate classification (germline): Uncertain significance (1 of 4 stars; one submission).

Conditions:
X-linked severe combined immunodeficiency (SCIDX1). Also called: IMMUNODEFICIENCY 4; SCID, X-LINKED; SEVERE COMBINED IMMUNODEFICIENCY, X-LINKED, T CELL-NEGATIVE, B CELL-POSITIVE, NK CELL-NEGATIVE; X-Linked Combined Immunodeficiency Diseases; T-B+ severe combined immunodeficiency due to gamma chain deficiency. Identifiers: Orphanet 276, MedGen C6022468, MONDO:0010315, OMIM 300400. Disease mechanism: loss of function.

Submission:

Labcorp Genetics (formerly Invitae), Labcorp
Classification: Uncertain significance for X-linked severe combined immunodeficiency. Last evaluated: 2025-01-23. Review status: criteria provided, single submitter. Criteria: Invitae Variant Classification Sherloc (09022015). Collection method: clinical testing. Allele origin: germline.
Comment: This sequence change replaces lysine, which is basic and polar, with isoleucine, which is neutral and non-polar, at codon 252 of the IL2RG protein (p.Lys252Ile). This variant is not present in population databases (gnomAD no frequency). This variant has not been reported in the literature in individuals affected with IL2RG-related conditions. Invitae Evidence Modeling of protein sequence and biophysical properties (such as structural, functional, and spatial information, amino acid conservation, physicochemical variation, residue mobility, and thermodynamic stability) indicates that this missense variant is not expected to disrupt IL2RG protein function with a negative predictive value of 95%. In summary, the available evidence is currently insufficient to determine the role of this variant in disease. Therefore, it has been classified as a Variant of Uncertain Significance.